The following is an entry in ClinVar:

NM_003863.4(DPM2):c.4-115C>T

Gene: DPM2 (dolichyl-phosphate mannosyltransferase subunit 2, regulatory; minus strand). Cytogenetic location: 9q34.11.
Variant type: single nucleotide variant.
Coding change: c.4-115C>T on transcript NM_003863.4 (MANE Select); 115 bases into the intron before coding-DNA position 4, C replaced by T.
Molecular consequence: intron variant.
Genome position (GRCh38, 1-based): chr9:127,937,638, G>A on the plus strand (C>T on the coding strand, the complement: DPM2 is on the minus strand). VCF-style: chr9-127937638-G-A. GRCh37 (hg19) VCF-style: chr9-130699917-G-A.
Other names: c.3+180C>T (NM_001378437.1); c.4-115C>T (NM_001378436.1).
Identifiers: ClinVar variation 679336 (VCV000679336.2), dbSNP rs2274424, ClinGen allele CA12972135.
Genomic context (GRCh38, chr9:127,937,638, plus strand): 5'-ATGGAAGCGGGGCGTCGCGGCCCGATCACGGTCTAAGCTTCCCATTCAACAGATGGTAGA[G>A]GGCTGACTAGGGATCAGTTTCTAGGCTGGGAGAGAATGCTAGGCCTCCGCGTTGTCGTCC-3'

ClinVar aggregate classification (germline): Benign. Review status: criteria provided, multiple submitters, no conflicts (2 of 4 stars). 2 submissions from 2 submitters: Benign (2). Last evaluated 2018-06-14.

Allele frequency attached by ClinVar (database versions not stated): 1000 Genomes Project 30x 0.65584; TOPMed 0.75239; gnomAD 0.76318 and 0.76995; 1000 Genomes Project 0.64397.
gnomAD v4.1: 983,486 of 1,201,716 alleles (82%); highest among the groups gnomAD compares: Non-Finnish European, 87%; 411,404 homozygotes.

Submissions (2):

GeneDx
Classification: Benign. Last evaluated: 2018-06-14. Review status: criteria provided, single submitter. Criteria: GeneDx Variant Classification (06012015). Collection method: clinical testing. Allele origin: germline. Affected: yes.
Comment: This variant is considered likely benign or benign based on one or more of the following criteria: it is a conservative change, it occurs at a poorly conserved position in the protein, it is predicted to be benign by multiple in silico algorithms, and/or has population frequency not consistent with disease.

Breakthrough Genomics
Classification: Benign. Review status: criteria provided, single submitter. Criteria: ACMG Guidelines, 2015. Collection method: not provided. Allele origin: germline. Inheritance: Autosomal recessive inheritance. Affected: yes.